The following is an entry in ClinVar:

ClinVar aggregate classification (germline): Benign/Likely benign. Review status: criteria provided, multiple submitters, no conflicts (2 of 4 stars). 4 submissions from 4 submitters: Benign (2); Likely benign (2). Last evaluated 2025-07-24.

Conditions:
Cardiomyopathy (CMYO). Also called: Cardiomyopathies. Identifiers: Orphanet 167848, MedGen C0878544, MONDO:0004994, HP:0001638. Inheritance: Various modes of inheritance.

Allele frequency attached by ClinVar (database versions not stated): ExAC 0.00017; gnomAD exomes 0.00041; TOPMed 0.00046; 1000 Genomes Project 0.00120; 1000 Genomes Project 30x 0.00125.

Submissions (4):

Molecular Diagnostic Laboratory for Inherited Cardiovascular Disease, Montreal Heart Institute
Classification: Likely benign. Last evaluated: 2025-07-24. Review status: criteria provided, single submitter. Criteria: ACMG Guidelines, 2015. Collection method: clinical testing. Allele origin: germline. Affected: no.
Comment: BS1

Blueprint Genetics
Classification: Likely benign. Last evaluated: 2024-09-02. Review status: criteria provided, single submitter. Criteria: ACMG Guidelines, 2015. Collection method: clinical testing. Allele origin: germline.

Color Diagnostics, LLC DBA Color Health
Classification: Benign for Cardiomyopathy. Last evaluated: 2018-04-08. Review status: criteria provided, single submitter. Criteria: ACMG Guidelines, 2015. Collection method: clinical testing. Allele origin: germline.

GeneDx
Classification: Benign. Last evaluated: 2015-03-03. Review status: criteria provided, single submitter. Criteria: GeneDx Variant Classification Process June 2021. Collection method: clinical testing. Allele origin: germline. Affected: yes.

NM_001018005.2(TPM1):c.115-331C>T

Gene: TPM1 (tropomyosin 1; plus strand). Cytogenetic location: 15q22.2.
Variant type: single nucleotide variant.
Coding change: c.115-331C>T on transcript NM_001018005.2 (MANE Select); 331 bases into the intron before coding-DNA position 115, C replaced by T.
Molecular consequence: intron variant.
Genome position (GRCh38, 1-based): chr15:63,043,696, C>T. VCF-style: chr15-63043696-C-T. GRCh37 (hg19) VCF-style: chr15-63335895-C-T.
Other names: c.115-10C>T (NM_001365778.1, NM_001018020.2, NM_001018007.2 and 1 more transcripts); c.115-331C>T (NM_001018006.2, NM_001365776.1, NM_001018004.2 and 3 more transcripts).
Identifiers: ClinVar variation 627664 (VCV000627664.7), dbSNP rs562829514, ClinGen allele CA027445.